The following is an entry in ClinVar:

ClinVar aggregate classification (germline): Pathogenic (1 of 4 stars; one submission).

Conditions:
Spastic paraplegia. Identifiers: MedGen C0037772, HP:0001258.

Submission:

Labcorp Genetics (formerly Invitae), Labcorp
Classification: Pathogenic for Spastic paraplegia. Last evaluated: 2022-08-18. Review status: criteria provided, single submitter. Criteria: Invitae Variant Classification Sherloc (09022015). Collection method: clinical testing. Allele origin: germline.
Comment: This sequence change creates a premature translational stop signal (p.Tyr2237*) in the ZFYVE26 gene. It is expected to result in an absent or disrupted protein product. Loss-of-function variants in ZFYVE26 are known to be pathogenic (PMID: 18394578, 19805727). This variant is not present in population databases (gnomAD no frequency). This variant has not been reported in the literature in individuals affected with ZFYVE26-related conditions. Algorithms developed to predict the effect of sequence changes on RNA splicing suggest that this variant may disrupt the consensus splice site. For these reasons, this variant has been classified as Pathogenic.

Literature cited by the submitters: PubMed 18394578; PubMed 19805727.

NM_015346.4(ZFYVE26):c.6711C>G (p.Tyr2237Ter)

Gene: ZFYVE26 (zinc finger FYVE-type containing 26; minus strand). Cytogenetic location: 14q24.1.
Variant type: single nucleotide variant.
Coding change: c.6711C>G on transcript NM_015346.4 (MANE Select); coding-DNA position 6711, C replaced by G.
Protein change: p.Tyr2237Ter; replaces tyrosine 2237 with a stop codon.
Molecular consequence: nonsense.
Genome position (GRCh38, 1-based): chr14:67,756,023, G>C on the plus strand (C>G on the coding strand, the complement: ZFYVE26 is on the minus strand). VCF-style: chr14-67756023-G-C. GRCh37 (hg19) VCF-style: chr14-68222740-G-C.
Other names: short protein forms Y2237*.
Identifiers: ClinVar variation 2024527 (VCV002024527.4), dbSNP rs2140185423, ClinGen allele CA390161549.